The following is an entry in ClinVar:

NM_000081.4(LYST):c.914A>G (p.Asn305Ser)

Gene: LYST (lysosomal trafficking regulator; minus strand). Cytogenetic location: 1q42.3.
Variant type: single nucleotide variant.
Coding change: c.914A>G on transcript NM_000081.4 (MANE Select); coding-DNA position 914, A replaced by G.
Protein change: p.Asn305Ser; replaces asparagine 305 with serine.
Molecular consequence: missense variant.
Genome position (GRCh38, 1-based): chr1:235,809,904, T>C on the plus strand (A>G on the coding strand, the complement: LYST is on the minus strand). VCF-style: chr1-235809904-T-C. GRCh37 (hg19) VCF-style: chr1-235973204-T-C.
Other names: c.914A>G, p.Asn305Ser (NM_001301365.1); short protein forms N305S.
Identifiers: ClinVar variation 4050218 (VCV004050218.2).

ClinVar aggregate classification (germline): Uncertain significance. Review status: criteria provided, multiple submitters, no conflicts (2 of 4 stars). 2 submissions from 2 submitters: Uncertain significance (2). Last evaluated 2025-04-12.

Conditions:
LYST-related disorder. Also called: LYST-related condition.
Inborn genetic diseases. Identifiers: MedGen C0950123, MeSH D030342.

gnomAD v4.1: 3 of 1,613,870 alleles (0.00019%); highest among the groups gnomAD compares: East Asian, 0.0022%; no homozygotes.

Submissions (2):

Ambry Genetics
Classification: Uncertain significance for Inborn genetic diseases. Last evaluated: 2025-04-12. Review status: criteria provided, single submitter. Criteria: Ambry Variant Classification Scheme 2023. Collection method: clinical testing. Allele origin: germline.

PreventionGenetics, part of Exact Sciences
Classification: Uncertain significance for LYST-related condition. Last evaluated: 2024-11-01. Review status: criteria provided, single submitter. Criteria: ACMG Guidelines, 2015. Collection method: clinical testing. Allele origin: germline.
Comment: The LYST c.914A>G variant is predicted to result in the amino acid substitution p.Asn305Ser. To our knowledge, this variant has not been reported in the literature. This variant is reported in 0.0055% of alleles in individuals of East Asian descent in gnomAD. At this time, the clinical significance of this variant is uncertain due to the absence of conclusive functional and genetic evidence.